The following is an entry in ClinVar:

NM_007118.4(TRIO):c.7339G>C (p.Gly2447Arg)

Gene: TRIO (trio Rho guanine nucleotide exchange factor; plus strand). Cytogenetic location: 5p15.2.
Variant type: single nucleotide variant.
Coding change: c.7339G>C on transcript NM_007118.4 (MANE Select); coding-DNA position 7339, G replaced by C.
Protein change: p.Gly2447Arg; replaces glycine 2447 with arginine.
Molecular consequence: missense variant.
Genome position (GRCh38, 1-based): chr5:14,487,967, G>C. VCF-style: chr5-14487967-G-C. GRCh37 (hg19) VCF-style: chr5-14488076-G-C.
Other names: c.7339G>C (NM_007118.2); short protein forms G2447R.
Identifiers: ClinVar variation 3892718 (VCV003892718.3).

ClinVar aggregate classification (germline): Uncertain significance. Review status: criteria provided, multiple submitters, no conflicts (2 of 4 stars). 3 submissions from 3 submitters: Uncertain significance (3). Last evaluated 2026-05-10.

Conditions:
Inborn genetic diseases. Identifiers: MedGen C0950123, MeSH D030342.
Intellectual developmental disorder, autosomal dominant 63, with macrocephaly. Also called: MENTAL RETARDATION, AUTOSOMAL DOMINANT 63, WITH MACROCEPHALY. Identifiers: MedGen C5394205, MONDO:0032939, OMIM 618825.
Intellectual developmental disorder, autosomal dominant 44, with microcephaly. Also called: Micrognathia-recurrent infections-behavioral abnormalities-mild intellectual disability syndrome; TRIO-Related Intellectual Disability. Identifiers: Orphanet 476126, MedGen C4310740, MONDO:0014892, OMIM 617061.

gnomAD v4.1: 4 of 1,551,896 alleles (0.00026%); highest among the groups gnomAD compares: Middle Eastern, 0.019%; no homozygotes.

Submissions (3):

Ambry Genetics
Classification: Uncertain significance for Inborn genetic diseases. Last evaluated: 2026-05-10. Review status: criteria provided, single submitter. Criteria: Ambry Variant Classification Scheme 2023. Collection method: clinical testing. Allele origin: germline.
Comment: The c.7339G>C (p.G2447R) alteration is located in exon 48 (coding exon 48) of the TRIO gene. This alteration results from a G to C substitution at nucleotide position 7339, causing the glycine (G) at amino acid position 2447 to be replaced by an arginine (R). Based on data from gnomAD, the C allele has an overall frequency of 0.001% (1/144864) total alleles studied. The highest observed frequency was 0.002% (1/52162) of European (non-Finnish) alleles. Based on insufficient or conflicting evidence, the clinical significance of this alteration remains unclear.

Revvity Omics, Revvity
Classification: Uncertain significance. Last evaluated: 2025-06-25. Review status: criteria provided, single submitter. Criteria: ACMG Guidelines, 2015. Collection method: clinical testing. Allele origin: germline.

Department of Pathology and Laboratory Medicine, Sinai Health System
Classification: Uncertain significance for Intellectual developmental disorder, autosomal dominant 44, with microcephaly; Intellectual developmental disorder, autosomal dominant 63, with macrocephaly. Last evaluated: 2021-10-18. Review status: criteria provided, single submitter. Criteria: ACMG Guidelines, 2015. Collection method: research. Allele origin: germline.